The following is an entry in ClinVar:

NM_024537.4(CARS2):c.260A>G (p.His87Arg)

Gene: CARS2 (cysteinyl-tRNA synthetase 2, mitochondrial; minus strand). Cytogenetic location: 13q34.
Variant type: single nucleotide variant.
Coding change: c.260A>G on transcript NM_024537.4 (MANE Select); coding-DNA position 260, A replaced by G.
Protein change: p.His87Arg; replaces histidine 87 with arginine.
Molecular consequence: missense variant. On other transcripts: 5 prime UTR variant (1), non-coding transcript variant (2).
Genome position (GRCh38, 1-based): chr13:110,705,536, T>C on the plus strand (A>G on the coding strand, the complement: CARS2 is on the minus strand). VCF-style: chr13-110705536-T-C. GRCh37 (hg19) VCF-style: chr13-111357883-T-C.
Other names: c.-740A>G (NM_001352252.2); c.260A>G, p.His87Arg (NM_001352253.3); short protein forms H87R.
Identifiers: ClinVar variation 5003105 (VCV005003105.1).

ClinVar aggregate classification (germline): Uncertain significance (1 of 4 stars; one submission).

Submission:

OLLIN Analises Genomicas, OLLIN
Classification: Uncertain significance. Last evaluated: 2026-08-06. Review status: criteria provided, single submitter. Criteria: ACMG Guidelines 2015 PMID 25741868. Collection method: clinical testing. Allele origin: germline.
Comment: This missense variant, located in exon 2 (of 15), is absent from gnomAD and ClinVar and has not been identified in the literature. In silico analysis predicts that this variant has a deleterious effect. This gene has high tolerance to missense variation. According to the currently available evidence, this variant has been classified as uncertain significance (PM2_P, PP3_M, BP1).